The following is an entry in ClinVar:

NM_001001563.5(TIMM50):c.1032C>A (p.Ser344Arg)

Gene: TIMM50 (translocase of inner mitochondrial membrane 50; plus strand). Cytogenetic location: 19q13.2.
Variant type: single nucleotide variant.
Coding change: c.1032C>A on transcript NM_001001563.5 (MANE Select); coding-DNA position 1032, C replaced by A.
Protein change: p.Ser344Arg; replaces serine 344 with arginine.
Molecular consequence: missense variant.
Genome position (GRCh38, 1-based): chr19:39,489,790, C>A. VCF-style: chr19-39489790-C-A. GRCh37 (hg19) VCF-style: chr19-39980430-C-A.
Other names: c.693C>A, p.Ser231Arg (NM_001329559.2); short protein forms S231R, S344R.
Identifiers: ClinVar variation 1359339 (VCV001359339.7), dbSNP rs1236729412, ClinGen allele CA405790937.

ClinVar aggregate classification (germline): Uncertain significance (1 of 4 stars; one submission).

Allele frequency attached by ClinVar (database versions not stated): gnomAD exomes below 0.00001; TOPMed below 0.00001.

Submission:

Labcorp Genetics (formerly Invitae), Labcorp
Classification: Uncertain significance. Last evaluated: 2024-06-24. Review status: criteria provided, single submitter. Criteria: Invitae Variant Classification Sherloc (09022015). Collection method: clinical testing. Allele origin: germline.
Comment: This sequence change replaces serine, which is neutral and polar, with arginine, which is basic and polar, at codon 447 of the TIMM50 protein (p.Ser447Arg). This variant is not present in population databases (gnomAD no frequency). This variant has not been reported in the literature in individuals affected with TIMM50-related conditions. ClinVar contains an entry for this variant (Variation ID: 1359339). An algorithm developed to predict the effect of missense changes on protein structure and function (PolyPhen-2) suggests that this variant¬†is likely to be tolerated. In summary, the available evidence is currently insufficient to determine the role of this variant in disease. Therefore, it has been classified as a Variant of Uncertain Significance.